The following is an entry in ClinVar:

NM_000179.3(MSH6):c.2616A>G (p.Ile872Met)

Gene: MSH6 (mutS homolog 6; plus strand). Cytogenetic location: 2p16.3.
Variant type: single nucleotide variant.
Coding change: c.2616A>G on transcript NM_000179.3 (MANE Select); coding-DNA position 2616, A replaced by G.
Protein change: p.Ile872Met; replaces isoleucine 872 with methionine.
Molecular consequence: missense variant.
Genome position (GRCh38, 1-based): chr2:47,800,599, A>G. VCF-style: chr2-47800599-A-G. GRCh37 (hg19) VCF-style: chr2-48027738-A-G.
Other names: c.2226A>G, p.Ile742Met (NM_001281492.2); c.1710A>G, p.Ile570Met (NM_001281493.2, NM_001281494.2); short protein forms I570M, I742M, I872M.
Identifiers: ClinVar variation 1515818 (VCV001515818.10), dbSNP rs2104415318, ClinGen allele CA346755008.

ClinVar aggregate classification (germline): Uncertain significance. Review status: criteria provided, multiple submitters, no conflicts (2 of 4 stars). 2 submissions from 2 submitters: Uncertain significance (2). Last evaluated 2021-05-14.

Conditions:
Hereditary nonpolyposis colorectal neoplasms. Identifiers: MedGen C0009405, MeSH D003123.
Hereditary cancer-predisposing syndrome. Also called: Tumor predisposition; Neoplastic Syndromes, Hereditary; Hereditary neoplastic syndrome; Hereditary Cancer Syndrome. Identifiers: Orphanet 140162, MedGen C0027672, MeSH D009386, MONDO:0015356.

Submissions (2):

Ambry Genetics
Classification: Uncertain significance for Hereditary cancer-predisposing syndrome. Last evaluated: 2021-05-14. Review status: criteria provided, single submitter. Criteria: Ambry Variant Classification Scheme 2023. Collection method: clinical testing. Allele origin: germline.
Comment: The p.I872M variant (also known as c.2616A>G), located in coding exon 4 of the MSH6 gene, results from an A to G substitution at nucleotide position 2616. The isoleucine at codon 872 is replaced by methionine, an amino acid with highly similar properties. This amino acid position is not well conserved in available vertebrate species. In addition, this alteration is predicted to be tolerated by in silico analysis. Since supporting evidence is limited at this time, the clinical significance of this alteration remains unclear.

Labcorp Genetics (formerly Invitae), Labcorp
Classification: Uncertain significance for Hereditary nonpolyposis colorectal neoplasms. Last evaluated: 2021-03-10. Review status: criteria provided, single submitter. Criteria: Invitae Variant Classification Sherloc (09022015). Collection method: clinical testing. Allele origin: germline.
Comment: This sequence change replaces isoleucine with methionine at codon 872 of the MSH6 protein (p.Ile872Met). The isoleucine residue is weakly conserved and there is a small physicochemical difference between isoleucine and methionine. This variant is not present in population databases (ExAC no frequency). This variant has not been reported in the literature in individuals with MSH6-related conditions. Advanced modeling of protein sequence and biophysical properties (such as structural, functional, and spatial information, amino acid conservation, physicochemical variation, residue mobility, and thermodynamic stability) performed at Invitae indicates that this missense variant is not expected to disrupt MSH6 protein function. In summary, the available evidence is currently insufficient to determine the role of this variant in disease. Therefore, it has been classified as a Variant of Uncertain Significance.